The following is an entry in ClinVar:

NM_001044.5(SLC6A3):c.1470C>T (p.Ile490=)

Gene: SLC6A3 (solute carrier family 6 member 3). Cytogenetic location: 5p15.33.
Variant type: single nucleotide variant.
Coding change: c.1470C>T on transcript NM_001044.5 (MANE Select); coding-DNA position 1470, C replaced by T.
Protein change: p.Ile490=; no amino-acid change (isoleucine 490 retained).
Molecular consequence: synonymous variant.
Genome position (GRCh38, 1-based): chr5:1,409,054, G>A on the plus strand (C>T on the coding strand, the complement: SLC6A3 is on the minus strand). VCF-style: chr5-1409054-G-A. GRCh37 (hg19) VCF-style: chr5-1409169-G-A.
Identifiers: ClinVar variation 695871 (VCV000695871.15), dbSNP rs8179034, ClinGen allele CA3186030.

ClinVar aggregate classification (germline): Benign/Likely benign. Review status: criteria provided, multiple submitters, no conflicts (2 of 4 stars). 5 submissions from 5 submitters: Benign (2); Likely benign (2). 1 of the submissions does not count toward it. Last evaluated 2025-11-10.

Conditions:
Classic dopamine transporter deficiency syndrome (PKDYS1). Also called: Parkinsonism-dystonia, infantile, 1; DOPAMINE TRANSPORTER DEFICIENCY SYNDROME. Identifiers: Orphanet 238455, MedGen C5700336, MONDO:0054835, OMIM 613135.
Tobacco addiction, susceptibility to. Also called: CIGARETTE HABITUATION, SUSCEPTIBILITY TO. Identifiers: MedGen C1861063, MONDO:0100460, OMIM 188890.
Parkinsonism-dystonia, infantile. Identifiers: Orphanet 238455, MedGen C2751067, MONDO:0013150.
SLC6A3-related disorder. Also called: SLC6A3-related condition.

Allele frequency attached by ClinVar (database versions not stated): gnomAD exomes 0.00014 and 0.00039; ExAC 0.00042; ESP Exome Variant Server 0.00115; gnomAD 0.00134; TOPMed 0.00148; 1000 Genomes Project 0.00180; 1000 Genomes Project 30x 0.00250.
gnomAD v4.1: 414 of 1,612,906 alleles (0.026%); highest among the groups gnomAD compares: African/African-American, 0.45%; 1 homozygote.

Submissions (5):

Labcorp Genetics (formerly Invitae), Labcorp
Classification: Benign for Parkinsonism-dystonia, infantile. Last evaluated: 2025-11-10. Review status: criteria provided, single submitter. Criteria: Invitae Variant Classification Sherloc (09022015). Collection method: clinical testing. Allele origin: germline.

Blueprint Genetics
Classification: Likely benign. Last evaluated: 2024-04-03. Review status: criteria provided, single submitter. Criteria: ACMG Guidelines, 2015. Collection method: clinical testing. Allele origin: germline.

Fulgent Genetics
Classification: Likely benign for Tobacco addiction, susceptibility to; Classic dopamine transporter deficiency syndrome. Last evaluated: 2022-04-19. Review status: criteria provided, single submitter. Criteria: ACMG Guidelines, 2015. Collection method: clinical testing. Allele origin: unknown.

Breakthrough Genomics
Classification: Benign. Review status: criteria provided, single submitter. Criteria: ACMG Guidelines, 2015. Collection method: not provided. Allele origin: germline. Inheritance: Autosomal recessive inheritance. Affected: yes.

PreventionGenetics, part of Exact Sciences
Classification: Likely benign for SLC6A3-related condition. Last evaluated: 2024-08-09. Review status: no assertion criteria provided. Collection method: clinical testing. Allele origin: germline. Not counted in ClinVar's aggregate classification.
Comment: This variant is classified as likely benign based on ACMG/AMP sequence variant interpretation guidelines (Richards et al. 2015 PMID: 25741868, with internal and published modifications).